The following is an entry in ClinVar:

ClinVar aggregate classification (germline): Uncertain significance (1 of 4 stars; one submission).

Submission:

Labcorp Genetics (formerly Invitae), Labcorp
Classification: Uncertain significance. Last evaluated: 2024-02-26. Review status: criteria provided, single submitter. Criteria: Invitae Variant Classification Sherloc (09022015). Collection method: clinical testing. Allele origin: germline.
Comment: This sequence change replaces alanine, which is neutral and non-polar, with serine, which is neutral and polar, at codon 500 of the ANKZF1 protein (p.Ala500Ser). This variant is not present in population databases (gnomAD no frequency). This variant has not been reported in the literature in individuals affected with ANKZF1-related conditions. Algorithms developed to predict the effect of missense changes on protein structure and function output the following: SIFT: "Not Available"; PolyPhen-2: "Benign"; Align-GVGD: "Not Available". The serine amino acid residue is found in multiple mammalian species, which suggests that this missense change does not adversely affect protein function. In summary, the available evidence is currently insufficient to determine the role of this variant in disease. Therefore, it has been classified as a Variant of Uncertain Significance.

NM_018089.3(ANKZF1):c.1498G>T (p.Ala500Ser)

Gene: ANKZF1 (ankyrin repeat and zinc finger peptidyl tRNA hydrolase 1; plus strand). Cytogenetic location: 2q35.
Variant type: single nucleotide variant.
Coding change: c.1498G>T on transcript NM_018089.3 (MANE Select); coding-DNA position 1498, G replaced by T.
Protein change: p.Ala500Ser; replaces alanine 500 with serine.
Molecular consequence: missense variant.
Genome position (GRCh38, 1-based): chr2:219,235,119, G>T. VCF-style: chr2-219235119-G-T. GRCh37 (hg19) VCF-style: chr2-220099841-G-T.
Other names: c.1498G>T, p.Ala500Ser (NM_001042410.2); c.868G>T, p.Ala290Ser (NM_001282792.2); short protein forms A500S, A290S.
Identifiers: ClinVar variation 3643464 (VCV003643464.2).